The following is an entry in ClinVar:

NM_004006.3(DMD):c.2971G>A (p.Glu991Lys)

Gene: DMD (dystrophin; minus strand). Cytogenetic location: Xp21.1.
Variant type: single nucleotide variant.
Coding change: c.2971G>A on transcript NM_004006.3 (MANE Select); coding-DNA position 2971, G replaced by A.
Protein change: p.Glu991Lys; replaces glutamic acid 991 with lysine.
Molecular consequence: missense variant.
Genome position (GRCh38, 1-based): chrX:32,468,689, C>T on the plus strand (G>A on the coding strand, the complement: DMD is on the minus strand). VCF-style: chrX-32468689-C-T. GRCh37 (hg19) VCF-style: chrX-32486806-C-T.
Other names: c.2947G>A, p.Glu983Lys (NM_000109.4); c.2959G>A, p.Glu987Lys (NM_004009.3); c.2602G>A, p.Glu868Lys (NM_004010.3); short protein forms E868K, E983K, E991K, E987K.
Identifiers: ClinVar variation 3673104 (VCV003673104.2).

ClinVar aggregate classification (germline): Uncertain significance (1 of 4 stars; one submission).

Conditions:
Duchenne muscular dystrophy (DMD). Also called: MUSCULAR DYSTROPHY, PSEUDOHYPERTROPHIC PROGRESSIVE, DUCHENNE TYPE; Duchenne Muscular Dystrophy (DMD). Identifiers: Orphanet 98896, MedGen C0013264, MONDO:0010679, OMIM 310200.

Submission:

Labcorp Genetics (formerly Invitae), Labcorp
Classification: Uncertain significance for Duchenne muscular dystrophy. Last evaluated: 2024-10-07. Review status: criteria provided, single submitter. Criteria: Invitae Variant Classification Sherloc (09022015). Collection method: clinical testing. Allele origin: germline.
Comment: This sequence change replaces glutamic acid, which is acidic and polar, with lysine, which is basic and polar, at codon 991 of the DMD protein (p.Glu991Lys). This variant is not present in population databases (gnomAD no frequency). This variant has not been reported in the literature in individuals affected with DMD-related conditions. Invitae Evidence Modeling of protein sequence and biophysical properties (such as structural, functional, and spatial information, amino acid conservation, physicochemical variation, residue mobility, and thermodynamic stability) indicates that this missense variant is not expected to disrupt DMD protein function with a negative predictive value of 95%. In summary, the available evidence is currently insufficient to determine the role of this variant in disease. Therefore, it has been classified as a Variant of Uncertain Significance.